The following is an entry in ClinVar:

ClinVar aggregate classification (germline): Likely benign. Review status: criteria provided, multiple submitters, no conflicts (2 of 4 stars). 3 submissions from 3 submitters: Likely benign (3). Last evaluated 2025-11-24.

Conditions:
SAG-related disorder. Also called: SAG-related disorders; SAG-related condition.

Allele frequency attached by ClinVar (database versions not stated): ExAC 0.00003; gnomAD exomes 0.00003; gnomAD 0.00005; TOPMed 0.00005.
gnomAD v4.1: 109 of 1,605,946 alleles (0.0068%); highest among the groups gnomAD compares: Non-Finnish European, 0.008%; no homozygotes.

Submissions (3):

Labcorp Genetics (formerly Invitae), Labcorp
Classification: Likely benign. Last evaluated: 2025-11-24. Review status: criteria provided, single submitter. Criteria: Invitae Variant Classification Sherloc (09022015). Collection method: clinical testing. Allele origin: germline.

PreventionGenetics, part of Exact Sciences
Classification: Likely benign for SAG-related condition. Last evaluated: 2025-01-08. Review status: criteria provided, single submitter. Criteria: ACMG Guidelines, 2015. Collection method: clinical testing. Allele origin: germline.
Comment: This variant is classified as likely benign based on ACMG/AMP sequence variant interpretation guidelines (Richards et al. 2015 PMID: 25741868, with internal and published modifications).

Blueprint Genetics
Classification: Likely benign. Last evaluated: 2024-02-12. Review status: criteria provided, single submitter. Criteria: ACMG Guidelines, 2015. Collection method: clinical testing. Allele origin: germline.

NM_000541.5(SAG):c.944+10C>T

Gene: SAG (S-antigen visual arrestin; plus strand). Cytogenetic location: 2q37.1.
Variant type: single nucleotide variant.
Coding change: c.944+10C>T on transcript NM_000541.5 (MANE Select); 10 bases into the intron after coding-DNA position 944, C replaced by T.
Molecular consequence: intron variant.
Genome position (GRCh38, 1-based): chr2:233,335,109, C>T. VCF-style: chr2-233335109-C-T. GRCh37 (hg19) VCF-style: chr2-234243755-C-T.
Other names: c.944+10C>T (NM_000541.4).
Identifiers: ClinVar variation 1155142 (VCV001155142.12), dbSNP rs780084927, ClinGen allele CA2174582.